The following is an entry in ClinVar:

ClinVar aggregate classification (germline): Uncertain significance (1 of 4 stars; one submission).

Submission:

CeGaT Center for Human Genetics Tuebingen
Classification: Uncertain significance. Last evaluated: 2023-11-01. Review status: criteria provided, single submitter. Criteria: CeGaT Center For Human Genetics Tuebingen Variant Classification Criteria Version 2. Collection method: clinical testing. Allele origin: germline. Affected: yes. Observed: 1 variant allele.
Comment: DNAH7: PM2

NM_018897.3(DNAH7):c.6173C>T (p.Pro2058Leu)

Gene: DNAH7 (dynein axonemal heavy chain 7; minus strand). Cytogenetic location: 2q32.3.
Variant type: single nucleotide variant.
Coding change: c.6173C>T on transcript NM_018897.3 (MANE Select); coding-DNA position 6173, C replaced by T.
Protein change: p.Pro2058Leu; replaces proline 2058 with leucine.
Molecular consequence: missense variant.
Genome position (GRCh38, 1-based): chr2:195,875,788, G>A on the plus strand (C>T on the coding strand, the complement: DNAH7 is on the minus strand). VCF-style: chr2-195875788-G-A. GRCh37 (hg19) VCF-style: chr2-196740512-G-A.
Other names: short protein forms P2058L.
Identifiers: ClinVar variation 2672857 (VCV002672857.23), dbSNP rs2469859670, ClinGen allele CA349957955.